The following is an entry in ClinVar:

NM_001278116.2(L1CAM):c.408del (p.Lys137fs)

Gene: L1CAM (L1 cell adhesion molecule; minus strand). Cytogenetic location: Xq28.
Variant type: Deletion.
Coding change: c.408del on transcript NM_001278116.2 (MANE Select); coding-DNA position 408, one base deleted (C; older notation c.408delC).
Protein change: p.Lys137fs; shifts the reading frame from lysine 137.
Molecular consequence: frameshift variant.
Genome position (GRCh38, 1-based): chrX:153,871,172, G deleted on the plus strand (C on the coding strand, the reverse complement: L1CAM is on the minus strand); the first of 5 consecutive G bases (chrX:153,871,172-153,871,176); deleting any one gives the same sequence. VCF-style (leftmost placement, unchanged base first): chrX-153871171-TG-T. GRCh37 (hg19) VCF-style: chrX-153136626-TG-T.
Other names: c.408del, p.Lys137fs (NM_024003.3, NM_000425.5); c.393del, p.Lys132fs (NM_001143963.2); short protein forms K132fs, K137fs.
Identifiers: ClinVar variation 3777011 (VCV003777011.1).

ClinVar aggregate classification (germline): Likely pathogenic (1 of 4 stars; one submission).

Conditions:
X-linked hydrocephalus syndrome (HYCX). Also called: X-Linked Hydrocephalus with Stenosis of the Aqueduct of Sylvius (HSAS); AQUEDUCTAL STENOSIS, X-LINKED; HYDROCEPHALUS, CONGENITAL, X-LINKED; X-Linked Hydrocephalus with Stenosis of the Aqueduct of Sylvius; X-linked hydrocephalus. Identifiers: Orphanet 2182, MedGen C0265216, MONDO:0010611, OMIM 307000.

Submission:

Department of Medical Genetics, Sanjay Gandhi Post Graduate Institute of Medical Sciences
Classification: Likely pathogenic for X-linked hydrocephalus syndrome. Last evaluated: 2022-03-11. Review status: criteria provided, single submitter. Criteria: ACMG Guidelines, 2015. Collection method: research. Allele origin: biparental. Inheritance: X-linked inheritance. Affected: yes. Observed: 1 hemizygote.
Comment: The L1CAM c.408delC variant is predicted to cause a frameshift and premature protein termination (p.K137Sfs*7). To our knowledge, this variant has not been reported in the literature or any population database, indicating that it is rare and novel. Given that frameshift variants in L1CAM are generally expected to be pathogenic, this variant is classified as likely pathogenic based on ACMG criteria (PM2, PVS1).

Literature cited by the submitters: PubMed 37957043.